The following is an entry in ClinVar:

NM_032898.5(CEP19):c.97A>G (p.Ile33Val)

Gene: CEP19 (centrosomal protein 19; minus strand). Cytogenetic location: 3q29.
Variant type: single nucleotide variant.
Coding change: c.97A>G on transcript NM_032898.5 (MANE Select); coding-DNA position 97, A replaced by G.
Protein change: p.Ile33Val; replaces isoleucine 33 with valine.
Molecular consequence: missense variant.
Genome position (GRCh38, 1-based): chr3:196,708,561, T>C on the plus strand (A>G on the coding strand, the complement: CEP19 is on the minus strand). VCF-style: chr3-196708561-T-C. GRCh37 (hg19) VCF-style: chr3-196435432-T-C.
Other names: c.109A>G (NM_032898.3); short protein forms I33V.
Identifiers: ClinVar variation 841670 (VCV000841670.5), dbSNP rs916554453, ClinGen allele CA90867908.
Genomic context (GRCh38, chr3:196,708,561, plus strand): 5'-CAGGAGGCAAGATAAGACATGAGGTACCTGAAAACTTTGAAAAGTTTCGAACTGGCATAA[T>C]GCGCTGGCGAATTTTCCCCTTGATTTCACTCTCATAGATTAAGATAATAGCTGGAGGCTG-3'
Protein context (NP_116287.3, residues 23-43): SEIKGKIRQR[Ile33Val]MPVRNFSKFS

ClinVar aggregate classification (germline): Uncertain significance. Review status: criteria provided, multiple submitters, no conflicts (2 of 4 stars). 2 submissions from 2 submitters: Uncertain significance (2). Last evaluated 2025-09-04.

Allele frequency attached by ClinVar (database versions not stated): gnomAD exomes below 0.00001 and 0.00001; gnomAD 0.00005 and 0.00006; TOPMed 0.00005.

Submissions (2):

Ambry Genetics
Classification: Uncertain significance. Last evaluated: 2025-09-04. Review status: criteria provided, single submitter. Criteria: Ambry Variant Classification Scheme 2023. Collection method: clinical testing. Allele origin: germline.

Labcorp Genetics (formerly Invitae), Labcorp
Classification: Uncertain significance. Last evaluated: 2022-06-13. Review status: criteria provided, single submitter. Criteria: Invitae Variant Classification Sherloc (09022015). Collection method: clinical testing. Allele origin: germline.
Comment: This sequence change replaces isoleucine, which is neutral and non-polar, with valine, which is neutral and non-polar, at codon 37 of the CEP19 protein (p.Ile37Val). The frequency data for this variant in the population databases is considered unreliable, as metrics indicate poor data quality at this position in the gnomAD database. This variant has not been reported in the literature in individuals affected with CEP19-related conditions. ClinVar contains an entry for this variant (Variation ID: 841670). Algorithms developed to predict the effect of missense changes on protein structure and function (SIFT, PolyPhen-2, Align-GVGD) all suggest that this variant is likely to be tolerated. In summary, the available evidence is currently insufficient to determine the role of this variant in disease. Therefore, it has been classified as a Variant of Uncertain Significance.